The following is an entry in ClinVar:

NM_004839.4(HOMER2):c.295-11T>C

Gene: HOMER2 (homer scaffold protein 2; minus strand). Cytogenetic location: 15q25.2.
Variant type: single nucleotide variant.
Coding change: c.295-11T>C on transcript NM_004839.4 (MANE Select); 11 bases into the intron before coding-DNA position 295, T replaced by C.
Molecular consequence: intron variant.
Genome position (GRCh38, 1-based): chr15:82,864,270, A>G on the plus strand (T>C on the coding strand, the complement: HOMER2 is on the minus strand). VCF-style: chr15-82864270-A-G. GRCh37 (hg19) VCF-style: chr15-83533022-A-G.
Other names: c.295-11T>C (NM_199330.3).
Identifiers: ClinVar variation 3384864 (VCV003384864.1).

ClinVar aggregate classification (germline): Likely benign (1 of 4 stars; one submission).

Submission:

Women's Health and Genetics/Laboratory Corporation of America, LabCorp
Classification: Likely benign. Last evaluated: 2024-10-29. Review status: criteria provided, single submitter. Criteria: LabCorp Variant Classification Summary - May 2015. Collection method: clinical testing. Allele origin: germline.
Comment: Variant summary: HOMER2 c.295-11T>C alters a nucleotide located at a position not widely known to affect splicing. Consensus agreement among computation tools predict no significant impact on normal splicing. However, these predictions have yet to be confirmed by functional studies. The variant was absent in 244518 control chromosomes. The available data on variant occurrences in the general population are insufficient to allow any conclusion about variant significance. To our knowledge, no occurrence of c.295-11T>C in individuals affected with Autosomal Dominant Nonsyndromic Hearing Loss 68 and no experimental evidence demonstrating its impact on protein function have been reported. No submitters have cited clinical-significance assessments for this variant to ClinVar. Based on the evidence outlined above, the variant was classified as likely benign.